The following is an entry in ClinVar:

NM_005045.4(RELN):c.1555G>C (p.Val519Leu)

Gene: RELN (reelin; minus strand). Cytogenetic location: 7q22.1.
Variant type: single nucleotide variant.
Coding change: c.1555G>C on transcript NM_005045.4 (MANE Select); coding-DNA position 1555, G replaced by C.
Protein change: p.Val519Leu; replaces valine 519 with leucine.
Molecular consequence: missense variant.
Genome position (GRCh38, 1-based): chr7:103,652,759, C>G on the plus strand (G>C on the coding strand, the complement: RELN is on the minus strand). VCF-style: chr7-103652759-C-G. GRCh37 (hg19) VCF-style: chr7-103293206-C-G.
Other names: c.1555G>C, p.Val519Leu (NM_173054.3); short protein forms V519L.
Identifiers: ClinVar variation 1471563 (VCV001471563.6), dbSNP rs560704715, ClinGen allele CA4422224.

ClinVar aggregate classification (germline): Uncertain significance (1 of 4 stars; one submission).

Conditions:
Norman-Roberts syndrome (LIS2). Also called: Lissencephaly 2 (Norman-Roberts type). Identifiers: Orphanet 89844, MedGen C0796089, MONDO:0009760, OMIM 257320.
Familial temporal lobe epilepsy 7. Identifiers: Orphanet 101046, MedGen C4225327, MONDO:0014639, OMIM 616436.

gnomAD v4.1: 3 of 1,612,426 alleles (0.00019%); highest among the groups gnomAD compares: Non-Finnish European, 0.00025%; no homozygotes.

Submission:

Labcorp Genetics (formerly Invitae), Labcorp
Classification: Uncertain significance for Familial temporal lobe epilepsy 7; Norman-Roberts syndrome. Last evaluated: 2022-08-27. Review status: criteria provided, single submitter. Criteria: Invitae Variant Classification Sherloc (09022015). Collection method: clinical testing. Allele origin: germline.
Comment: In summary, the available evidence is currently insufficient to determine the role of this variant in disease. Therefore, it has been classified as a Variant of Uncertain Significance. Algorithms developed to predict the effect of sequence changes on RNA splicing suggest that this variant may disrupt the consensus splice site. Algorithms developed to predict the effect of missense changes on protein structure and function are either unavailable or do not agree on the potential impact of this missense change (SIFT: "Deleterious"; PolyPhen-2: "Benign"; Align-GVGD: "Class C0"). ClinVar contains an entry for this variant (Variation ID: 1471563). This variant has not been reported in the literature in individuals affected with RELN-related conditions. This variant is present in population databases (rs560704715, gnomAD 0.002%). This sequence change replaces valine, which is neutral and non-polar, with leucine, which is neutral and non-polar, at codon 519 of the RELN protein (p.Val519Leu).